The following is an entry in ClinVar:

NM_000384.3(APOB):c.7832C>G (p.Thr2611Ser)

Gene: APOB (apolipoprotein B; minus strand). Cytogenetic location: 2p24.1.
Variant type: single nucleotide variant.
Coding change: c.7832C>G on transcript NM_000384.3 (MANE Select); coding-DNA position 7832, C replaced by G.
Protein change: p.Thr2611Ser; replaces threonine 2611 with serine.
Molecular consequence: missense variant.
Genome position (GRCh38, 1-based): chr2:21,009,036, G>C on the plus strand (C>G on the coding strand, the complement: APOB is on the minus strand). VCF-style: chr2-21009036-G-C. GRCh37 (hg19) VCF-style: chr2-21231908-G-C.
Other names: short protein forms T2611S.
Identifiers: ClinVar variation 2636217 (VCV002636217.3), dbSNP rs138790085, ClinGen allele CA345996019.

ClinVar aggregate classification (germline): Uncertain significance. Review status: criteria provided, multiple submitters, no conflicts (2 of 4 stars). 2 submissions from 2 submitters: Uncertain significance (2). Last evaluated 2023-07-25.

Conditions:
Familial hypobetalipoproteinemia 1. Also called: APOB-Related Familial Hypobetalipoproteinemia; Hypobetalipoproteinemia, normotriglyceridemic; Acanthocytosis with hypobetalipoproteinemia. Identifiers: MedGen C4551990, MONDO:0014252, OMIM 615558.
Hypercholesterolemia, autosomal dominant, type B (FHCL2). Also called: APOLIPOPROTEIN B-100, FAMILIAL DEFECTIVE; APOLIPOPROTEIN B-100, FAMILIAL LIGAND-DEFECTIVE; HYPERCHOLESTEROLEMIA, FAMILIAL, DUE TO LIGAND-DEFECTIVE APOLIPOPROTEIN B; Familial Hypercholesterolemia Type B; Familial hypercholesterolemia 2; APOB-Related Familial Hypercholesterolemia, Autosomal Dominant. Identifiers: MedGen C1704417, MONDO:0007751, OMIM 144010.
APOB-related disorder. Also called: APOB-related condition; APOB-related disorders.

gnomAD v4.1: 10 of 1,614,078 alleles (0.00062%); highest among the groups gnomAD compares: African/African-American, 0.0013%; no homozygotes.

Submissions (2):

Labcorp Genetics (formerly Invitae), Labcorp
Classification: Uncertain significance for Familial hypobetalipoproteinemia 1; Hypercholesterolemia, autosomal dominant, type B. Last evaluated: 2023-07-25. Review status: criteria provided, single submitter. Criteria: Invitae Variant Classification Sherloc (09022015). Collection method: clinical testing. Allele origin: germline.
Comment: This variant is not present in population databases (gnomAD no frequency). This sequence change replaces threonine, which is neutral and polar, with serine, which is neutral and polar, at codon 2611 of the APOB protein (p.Thr2611Ser). This variant has not been reported in the literature in individuals affected with APOB-related conditions. ClinVar contains an entry for this variant (Variation ID: 920386). Advanced modeling of protein sequence and biophysical properties (such as structural, functional, and spatial information, amino acid conservation, physicochemical variation, residue mobility, and thermodynamic stability) performed at Invitae indicates that this missense variant is not expected to disrupt APOB protein function. In summary, the available evidence is currently insufficient to determine the role of this variant in disease. Therefore, it has been classified as a Variant of Uncertain Significance.

PreventionGenetics, part of Exact Sciences
Classification: Uncertain significance for APOB-related condition. Last evaluated: 2023-01-31. Review status: criteria provided, single submitter. Criteria: ACMG Guidelines, 2015. Collection method: clinical testing. Allele origin: germline.
Comment: The APOB c.7832C>G variant is predicted to result in the amino acid substitution p.Thr2611Ser. To our knowledge, this variant has not been reported in the literature or in a large population database, indicating this variant is rare. At this time, the clinical significance of this variant is uncertain due to the absence of conclusive functional and genetic evidence.